The following is an entry in ClinVar:

ClinVar aggregate classification (germline): Uncertain significance. Review status: criteria provided, multiple submitters, no conflicts (2 of 4 stars). 2 submissions from 2 submitters: Uncertain significance (2). Last evaluated 2026-04-30.

Conditions:
GRIA3-related disorder. Also called: GRIA3-related condition.

Allele frequency attached by ClinVar (database versions not stated): TOPMed 0.00001.
gnomAD v4.1: 1 of 1,179,302 alleles (0.000085%); no homozygotes.

Submissions (2):

PreventionGenetics, part of Exact Sciences
Classification: Uncertain significance for GRIA3-related condition. Last evaluated: 2026-04-30. Review status: criteria provided, single submitter. Criteria: ACMG Guidelines, 2015. Collection method: clinical testing. Allele origin: germline.
Comment: The GRIA3 c.1294-3A>C variant is predicted to interfere with splicing. To our knowledge, this variant has not been reported in the literature or in a large population database (gnomAD), indicating this variant is rare. At this time, the clinical significance of this variant is uncertain due to the absence of conclusive functional and genetic evidence.

Labcorp Genetics (formerly Invitae), Labcorp
Classification: Uncertain significance. Last evaluated: 2024-02-06. Review status: criteria provided, single submitter. Criteria: Invitae Variant Classification Sherloc (09022015). Collection method: clinical testing. Allele origin: germline.
Comment: This sequence change falls in intron 9 of the GRIA3 gene. It does not directly change the encoded amino acid sequence of the GRIA3 protein. It affects a nucleotide within the consensus splice site. This variant is not present in population databases (gnomAD no frequency). This variant has not been reported in the literature in individuals affected with GRIA3-related conditions. ClinVar contains an entry for this variant (Variation ID: 2082897). Variants that disrupt the consensus splice site are a relatively common cause of aberrant splicing (PMID: 17576681, 9536098). Algorithms developed to predict the effect of sequence changes on RNA splicing suggest that this variant is not likely to affect RNA splicing. In summary, the available evidence is currently insufficient to determine the role of this variant in disease. Therefore, it has been classified as a Variant of Uncertain Significance.

Literature cited by the submitters: PubMed 17576681 (cited by Labcorp Genetics (formerly Invitae), Labcorp); PubMed 9536098 (cited by Labcorp Genetics (formerly Invitae), Labcorp).

NM_007325.5(GRIA3):c.1294-3A>C

Gene: GRIA3 (glutamate ionotropic receptor AMPA type subunit 3; plus strand). Cytogenetic location: Xq25.
Variant type: single nucleotide variant.
Coding change: c.1294-3A>C on transcript NM_007325.5 (MANE Select); 3 bases into the intron before coding-DNA position 1294, A replaced by C.
Molecular consequence: intron variant.
Genome position (GRCh38, 1-based): chrX:123,404,705, A>C. VCF-style: chrX-123404705-A-C. GRCh37 (hg19) VCF-style: chrX-122538556-A-C.
Other names: c.1294-3A>C (NM_000828.5, NM_000828.4).
Identifiers: ClinVar variation 2082897 (VCV002082897.5), dbSNP rs1186167678, ClinGen allele CA870964304.
Genomic context (GRCh38, chrX:123,404,705, plus strand): 5'-CATTTATCTTCTCTTAGAAAAATGTATAGGAGTAATCCTTTTATCTTGCTTCTGGTCCCA[A>C]AGGAATCACCATATGTAATGTACAAGAAGAACCATGAGCAACTGGAAGGAAATGAACGAT-3'